The following is an entry in ClinVar:

NM_001042424.3(NSD2):c.1641_1642del (p.Arg548fs)

Gene: NSD2 (nuclear receptor binding SET domain protein 2; plus strand). Cytogenetic location: 4p16.3.
Variant type: Deletion.
Coding change: c.1641_1642del on transcript NM_001042424.3 (MANE Select); coding-DNA positions 1641 to 1642, 2 bases deleted (AA; older notation c.1641_1642delAA).
Protein change: p.Arg548fs; shifts the reading frame from arginine 548.
Molecular consequence: frameshift variant.
Genome position (GRCh38, 1-based): chr4:1,935,229-1,935,230, AA deleted; deleting any 2 consecutive bases within chr4:1,935,227-1,935,230 gives the same sequence; the c. name uses the placement nearest the transcript's 3' end. VCF-style (leftmost placement, unchanged base first): chr4-1935226-GAA-G. GRCh37 (hg19) VCF-style: chr4-1936953-GAA-G.
Other names: c.1641_1642del, p.Arg548fs (NM_007331.2, NM_133330.3, NM_133331.3 and 1 more transcripts); c.1641_1642delAA, p.Arg548Thrfs (NM_133334.3); short protein forms R548fs.
Identifiers: ClinVar variation 2584449 (VCV002584449.1), dbSNP rs1577484648, ClinGen allele CA2582342652.

ClinVar aggregate classification (germline): Pathogenic (1 of 4 stars; one submission).

Conditions:
Rauch-Steindl syndrome (RAUST). Identifiers: Orphanet 659642, MedGen C5562061, MONDO:0859219, OMIM 619695.

Submission:

Rady Children's Institute for Genomic Medicine, Rady Children's Hospital San Diego
Classification: Pathogenic for Rauch-Steindl syndrome. Review status: criteria provided, single submitter. Criteria: ACMG Guidelines, 2015. Collection method: clinical testing. Allele origin: germline. Affected: yes.
Comment: This frameshifting variant in exon 9 of 24 introduces a premature stop codon and is therefore predicted to result in loss of normal protein function through either protein truncation or nonsense-mediated mRNA decay (NMD). This variant has not been previously reported or functionally characterized in the literature to our knowledge. Loss-of-function variation in NSD2 is an established mechanism of disease (PMID: 33276791). The c.1641_1642del (p.Arg548ThrfsTer16) variant is absent from the gnomAD population database and thus is presumed to be rare. Based on the available evidence, the c.1641_1642del (p.Arg548ThrfsTer16) variant is classified as Pathogenic.